The following is an entry in ClinVar:

NM_001370259.2(MEN1):c.1503C>T (p.Asp501=)

Gene: MEN1 (menin 1; minus strand). Cytogenetic location: 11q13.1.
Variant type: single nucleotide variant.
Coding change: c.1503C>T on transcript NM_001370259.2 (MANE Select); coding-DNA position 1503, C replaced by T.
Protein change: p.Asp501=; no amino-acid change (aspartic acid 501 retained).
Molecular consequence: synonymous variant.
Genome position (GRCh38, 1-based): chr11:64,804,664, G>A on the plus strand (C>T on the coding strand, the complement: MEN1 is on the minus strand). VCF-style: chr11-64804664-G-A. GRCh37 (hg19) VCF-style: chr11-64572136-G-A.
Other names: c.1503C>T (NM_130799.2); c.1518C>T, p.Asp506= (NM_000244.4, NM_130800.3, NM_130801.3 and 3 more transcripts); c.1629C>T, p.Asp543= (NM_001370251.2); c.1503C>T, p.Asp501= (NM_001370260.2, NM_001370261.2, NM_130799.3); c.1398C>T, p.Asp466= (NM_001370262.2, NM_001370263.2).
Identifiers: ClinVar variation 1650659 (VCV001650659.10), dbSNP rs2136087305, ClinGen allele CA475163079.

ClinVar aggregate classification (germline): Conflicting classifications of pathogenicity. Review status: criteria provided, conflicting classifications (1 of 4 stars). 3 submissions from 3 submitters: Uncertain significance (1); Benign (1); Likely benign (1). Last evaluated 2025-07-31.

Conditions:
Multiple endocrine neoplasia, type 1 (MEN1). Also called: MEA I; MEN I; WERMER SYNDROME; Endocrine adenomatosis multiple; MEN 1. Identifiers: Orphanet 652, MedGen C0025267, MeSH D018761, MONDO:0007540, OMIM 131100.

Submissions (3):

Labcorp Genetics (formerly Invitae), Labcorp
Classification: Likely benign for Multiple endocrine neoplasia, type 1. Last evaluated: 2025-07-31. Review status: criteria provided, single submitter. Criteria: Invitae Variant Classification Sherloc (09022015). Collection method: clinical testing. Allele origin: germline.

Myriad Genetics, Inc.
Classification: Benign for Multiple endocrine neoplasia, type 1. Last evaluated: 2024-11-05. Review status: criteria provided, single submitter. Criteria: Myriad Autosomal Dominant, Autosomal Recessive and X-Linked Classification Criteria (2023). Collection method: clinical testing. Allele origin: unknown.
Comment: This variant is considered benign. This variant is a silent/synonymous amino acid change and it is not expected to impact splicing.

GeneDx
Classification: Uncertain significance. Last evaluated: 2023-06-20. Review status: criteria provided, single submitter. Criteria: GeneDx Variant Classification Process June 2021. Collection method: clinical testing. Allele origin: germline. Affected: yes.
Comment: Not observed at significant frequency in large population cohorts (gnomAD); In silico analysis supports that this variant does not alter splicing; Has not been previously published as pathogenic or benign to our knowledge